The following is an entry in ClinVar:

ClinVar aggregate classification (germline): Uncertain significance. Review status: criteria provided, multiple submitters, no conflicts (2 of 4 stars). 3 submissions from 3 submitters: Uncertain significance (3). Last evaluated 2024-10-02.

Conditions:
Polyhydramnios, megalencephaly, and symptomatic epilepsy (PMSE). Also called: PMSE SYNDROME. Identifiers: Orphanet 500533, MedGen C1970203, MONDO:0012611, OMIM 611087.
Inborn genetic diseases. Identifiers: MedGen C0950123, MeSH D030342.

Allele frequency attached by ClinVar (database versions not stated): gnomAD exomes 0.00002 and 0.00012; gnomAD 0.00008 and 0.00009; ExAC 0.00011; ESP Exome Variant Server 0.00015; TOPMed 0.00015.
gnomAD v4.1: 64 of 1,613,356 alleles (0.004%); highest among the groups gnomAD compares: East Asian, 0.071%; no homozygotes.

Submissions (3):

Blueprint Genetics
Classification: Uncertain significance. Last evaluated: 2024-10-02. Review status: criteria provided, single submitter. Criteria: ACMG Guidelines, 2015. Collection method: clinical testing. Allele origin: germline.

Labcorp Genetics (formerly Invitae), Labcorp
Classification: Uncertain significance for Polyhydramnios, megalencephaly, and symptomatic epilepsy. Last evaluated: 2022-10-25. Review status: criteria provided, single submitter. Criteria: Invitae Variant Classification Sherloc (09022015). Collection method: clinical testing. Allele origin: germline.
Comment: This sequence change replaces isoleucine, which is neutral and non-polar, with serine, which is neutral and polar, at codon 11 of the STRADA protein (p.Ile11Ser). This variant is present in population databases (rs377651050, gnomAD 0.2%). This variant has not been reported in the literature in individuals affected with STRADA-related conditions. ClinVar contains an entry for this variant (Variation ID: 536757). Algorithms developed to predict the effect of missense changes on protein structure and function are either unavailable or do not agree on the potential impact of this missense change (SIFT: "Deleterious"; PolyPhen-2: "Benign"; Align-GVGD: "Class C0"). In summary, the available evidence is currently insufficient to determine the role of this variant in disease. Therefore, it has been classified as a Variant of Uncertain Significance.

Ambry Genetics
Classification: Uncertain significance for Inborn genetic diseases. Last evaluated: 2021-09-17. Review status: criteria provided, single submitter. Criteria: Ambry Variant Classification Scheme 2023. Collection method: clinical testing. Allele origin: germline.

NM_001003787.4(STRADA):c.32T>G (p.Ile11Ser)

Gene: STRADA (STE20 related adaptor alpha; minus strand). Cytogenetic location: 17q23.3.
Variant type: single nucleotide variant.
Coding change: c.32T>G on transcript NM_001003787.4 (MANE Select); coding-DNA position 32, T replaced by G.
Protein change: p.Ile11Ser; replaces isoleucine 11 with serine.
Molecular consequence: missense variant. On other transcripts: 5 prime UTR variant (2), non-coding transcript variant (1), intron variant (5).
Genome position (GRCh38, 1-based): chr17:63,728,338, A>C on the plus strand (T>G on the coding strand, the complement: STRADA is on the minus strand). VCF-style: chr17-63728338-A-C. GRCh37 (hg19) VCF-style: chr17-61805698-A-C.
Other names: c.-114T>G (NM_001003788.3, NM_001363791.1); c.32T>G, p.Ile11Ser (NM_001165969.2, NM_001165970.2, NM_001363787.1 and 1 more transcripts); c.12+20T>G (NM_001363789.1, NM_001003786.3, NM_153335.6 and 1 more transcripts); c.-110+20T>G (NM_001363790.1); short protein forms I11S.
Identifiers: ClinVar variation 536757 (VCV000536757.7), dbSNP rs377651050, ClinGen allele CA8703558.